The following is an entry in ClinVar:

NM_001184.4(ATR):c.5290T>A (p.Ser1764Thr)

Gene: ATR (ATR checkpoint kinase; minus strand). Cytogenetic location: 3q23.
Variant type: single nucleotide variant.
Coding change: c.5290T>A on transcript NM_001184.4 (MANE Select); coding-DNA position 5290, T replaced by A.
Protein change: p.Ser1764Thr; replaces serine 1764 with threonine.
Molecular consequence: missense variant.
Genome position (GRCh38, 1-based): chr3:142,499,717, A>T on the plus strand (T>A on the coding strand, the complement: ATR is on the minus strand). VCF-style: chr3-142499717-A-T. GRCh37 (hg19) VCF-style: chr3-142218559-A-T.
Other names: c.5098T>A, p.Ser1700Thr (NM_001354579.2); short protein forms S1764T, S1700T.
Identifiers: ClinVar variation 1746637 (VCV001746637.2), dbSNP rs2473169982, ClinGen allele CA354817413.

ClinVar aggregate classification (germline): Uncertain significance (1 of 4 stars; one submission).

Conditions:
Inborn genetic diseases. Identifiers: MedGen C0950123, MeSH D030342.

Allele frequency attached by ClinVar (database versions not stated): gnomAD exomes below 0.00001.
gnomAD v4.1: 1 of 1,613,944 alleles (0.000062%); highest among the groups gnomAD compares: Non-Finnish European, 0.000085%; no homozygotes.

Submission:

Ambry Genetics
Classification: Uncertain significance for Inborn genetic diseases. Last evaluated: 2021-11-21. Review status: criteria provided, single submitter. Criteria: Ambry Variant Classification Scheme 2023. Collection method: clinical testing. Allele origin: germline.
Comment: The p.S1764T variant (also known as c.5290T>A), located in coding exon 31 of the ATR gene, results from a T to A substitution at nucleotide position 5290. The serine at codon 1764 is replaced by threonine, an amino acid with similar properties. This amino acid position is conserved. In addition, this alteration is predicted to be tolerated by in silico analysis. Since supporting evidence is limited at this time, the clinical significance of this alteration remains unclear.